The following is an entry in ClinVar:

NM_002361.4(MAG):c.40A>G (p.Ile14Val)

Gene: MAG (myelin associated glycoprotein; plus strand). Cytogenetic location: 19q13.12.
Variant type: single nucleotide variant.
Coding change: c.40A>G on transcript NM_002361.4 (MANE Select); coding-DNA position 40, A replaced by G.
Protein change: p.Ile14Val; replaces isoleucine 14 with valine.
Molecular consequence: missense variant. On other transcripts: intron variant (1).
Genome position (GRCh38, 1-based): chr19:35,295,448, A>G. VCF-style: chr19-35295448-A-G. GRCh37 (hg19) VCF-style: chr19-35786351-A-G.
Other names: c.40A>G, p.Ile14Val (NM_080600.3); c.-85-7A>G (NM_001199216.2); short protein forms I14V.
Identifiers: ClinVar variation 2047261 (VCV002047261.4), dbSNP rs773576803, ClinGen allele CA9375892.

ClinVar aggregate classification (germline): Uncertain significance (1 of 4 stars; one submission).

Conditions:
Hereditary spastic paraplegia 75. Also called: Spastic paraplegia 75, autosomal recessive. Identifiers: Orphanet 459056, MedGen C4225250, MONDO:0014729, OMIM 616680.

Allele frequency attached by ClinVar (database versions not stated): ExAC 0.00002; gnomAD exomes 0.00002; TOPMed below 0.00001.
gnomAD v4.1: 9 of 1,613,938 alleles (0.00056%); highest among the groups gnomAD compares: Admixed American, 0.015%; no homozygotes.

Submission:

Labcorp Genetics (formerly Invitae), Labcorp
Classification: Uncertain significance for Hereditary spastic paraplegia 75. Last evaluated: 2022-11-22. Review status: criteria provided, single submitter. Criteria: Invitae Variant Classification Sherloc (09022015). Collection method: clinical testing. Allele origin: germline.
Comment: In summary, the available evidence is currently insufficient to determine the role of this variant in disease. Therefore, it has been classified as a Variant of Uncertain Significance. Algorithms developed to predict the effect of missense changes on protein structure and function (SIFT, PolyPhen-2, Align-GVGD) all suggest that this variant is likely to be tolerated. This variant has not been reported in the literature in individuals affected with MAG-related conditions. This variant is present in population databases (rs773576803, gnomAD 0.02%). This sequence change replaces isoleucine, which is neutral and non-polar, with valine, which is neutral and non-polar, at codon 14 of the MAG protein (p.Ile14Val).